The following is an entry in ClinVar:

ClinVar aggregate classification (germline): Pathogenic. Review status: criteria provided, multiple submitters, no conflicts (2 of 4 stars). 2 submissions from 2 submitters: Pathogenic (2). Last evaluated 2025-11-26.

Conditions:
Glycogen storage disease type III (GSD3). Also called: FORBES DISEASE; Cori disease. Identifiers: Orphanet 366, MedGen C0017922, MONDO:0009291, OMIM 232400.

Submissions (2):

Kasturba Medical College, Manipal, Kasturba Medical College, Manipal, Manipal Academy of Higher Education, Manipal, India
Classification: Pathogenic for Glycogen storage disease type III. Last evaluated: 2025-11-26. Review status: criteria provided, single submitter. Criteria: ACMG Guidelines, 2015. Collection method: research. Allele origin: biparental. Inheritance: Autosomal recessive inheritance. Affected: yes. Observed: 1 homozygote.
Comment: This variant is absent in homozygous and/or heterozygous state in the population database gnomAD (v.4.1.0) and our in-house database of 3871 exomes. This variant is reported as pathogenic by one submitter in ClinVar database (VCV002771854.2). This variant is predicted to introduce a premature termination codon which may either trigger nonsense-mediated mRNA decay or result in a truncated protein product.

Labcorp Genetics (formerly Invitae), Labcorp
Classification: Pathogenic for Glycogen storage disease type III. Last evaluated: 2023-11-03. Review status: criteria provided, single submitter. Criteria: Invitae Variant Classification Sherloc (09022015). Collection method: clinical testing. Allele origin: germline.
Comment: This sequence change creates a premature translational stop signal (p.Trp1372*) in the AGL gene. It is expected to result in an absent or disrupted protein product. Loss-of-function variants in AGL are known to be pathogenic (PMID: 19299494). This variant is not present in population databases (gnomAD no frequency). This variant has not been reported in the literature in individuals affected with AGL-related conditions. For these reasons, this variant has been classified as Pathogenic.

Literature cited by the submitters: PubMed 19299494 (cited by Labcorp Genetics (formerly Invitae), Labcorp).

NM_000642.3(AGL):c.4116G>A (p.Trp1372Ter)

Gene: AGL (amylo-alpha-1,6-glucosidase and 4-alpha-glucanotransferase; plus strand). Cytogenetic location: 1p21.2.
Variant type: single nucleotide variant.
Coding change: c.4116G>A on transcript NM_000642.3 (MANE Select); coding-DNA position 4116, G replaced by A.
Protein change: p.Trp1372Ter; replaces tryptophan 1372 with a stop codon.
Molecular consequence: nonsense.
Genome position (GRCh38, 1-based): chr1:99,913,693, G>A. VCF-style: chr1-99913693-G-A. GRCh37 (hg19) VCF-style: chr1-100379249-G-A.
Other names: c.4116G>A, p.Trp1372Ter (NM_000028.3, NM_000643.3, NM_000644.3 and 1 more transcripts); c.4068G>A, p.Trp1356Ter (NM_000646.3); c.4095G>A, p.Trp1365Ter (NM_001425326.1); c.3915G>A, p.Trp1305Ter (NM_001425327.1); c.3912G>A, p.Trp1304Ter (NM_001425328.1); c.3777G>A, p.Trp1259Ter (NM_001425329.1); c.3738G>A, p.Trp1246Ter (NM_001425332.1); short protein forms W1259*, W1304*, W1305*, W1246*, W1356*, W1365*, W1372*.
Identifiers: ClinVar variation 2771854 (VCV002771854.3), dbSNP rs2523826385, ClinGen allele CA341340208.